The following is an entry in ClinVar:

NM_004273.5(CHST3):c.58_77dup (p.Leu26_Phe27insTer)

Gene: CHST3 (carbohydrate sulfotransferase 3; plus strand). Cytogenetic location: 10q22.1.
Variant type: Duplication.
Coding change: c.58_77dup on transcript NM_004273.5 (MANE Select); coding-DNA positions 58 to 77, 20 bases duplicated (ATGAGAAGCAAATACGCCCT).
Protein change: p.Leu26_Phe27insTer.
Molecular consequence: nonsense, inframe insertion.
Genome position (GRCh38, 1-based): chr10:72,005,900-72,005,919, ATGAGAAGCAAATACGCCCT duplicated. VCF-style (leftmost placement, unchanged base first): chr10-72005899-G-GATGAGAAGCAAATACGCCCT. GRCh37 (hg19) VCF-style: chr10-73765657-G-GATGAGAAGCAAATACGCCCT.
Identifiers: ClinVar variation 1996399 (VCV001996399.4), dbSNP rs1240422084, ClinGen allele CA668140083.

ClinVar aggregate classification (germline): Pathogenic (1 of 4 stars; one submission).

Conditions:
Spondyloepiphyseal dysplasia with congenital joint dislocations (SEDCJD). Also called: Chondrodysplasia with Congenital Joint Dislocations, CHST3-Related. Identifiers: Orphanet 263463, MedGen C1837657, MONDO:0007738, OMIM 143095.

Allele frequency attached by ClinVar (database versions not stated): TOPMed below 0.00001.

Submission:

Labcorp Genetics (formerly Invitae), Labcorp
Classification: Pathogenic for Spondyloepiphyseal dysplasia with congenital joint dislocations. Last evaluated: 2024-09-16. Review status: criteria provided, single submitter. Criteria: Invitae Variant Classification Sherloc (09022015). Collection method: clinical testing. Allele origin: germline.
Comment: This sequence change creates a premature translational stop signal (p.Phe27*) in the CHST3 gene. It is expected to result in an absent or disrupted protein product. Loss-of-function variants in CHST3 are known to be pathogenic (PMID: 18513679, 20830804, 24300290). This variant is not present in population databases (gnomAD no frequency). This variant has not been reported in the literature in individuals affected with CHST3-related conditions. ClinVar contains an entry for this variant (Variation ID: 1996399). For these reasons, this variant has been classified as Pathogenic.

Literature cited by the submitters: PubMed 18513679; PubMed 20830804; PubMed 24300290.